The following is an entry in ClinVar:

ClinVar aggregate classification (germline): Uncertain significance (1 of 4 stars; one submission).

Conditions:
Werner syndrome (WRN). Identifiers: Orphanet 902, MedGen C0043119, MONDO:0010196, OMIM 277700.

Allele frequency attached by ClinVar (database versions not stated): ExAC 0.00001; gnomAD 0.00001; gnomAD exomes 0.00001; TOPMed 0.00002.
gnomAD v4.1: 5 of 1,612,474 alleles (0.00031%); highest among the groups gnomAD compares: Admixed American, 0.005%; no homozygotes.

Submission:

Labcorp Genetics (formerly Invitae), Labcorp
Classification: Uncertain significance for Werner syndrome. Last evaluated: 2024-01-19. Review status: criteria provided, single submitter. Criteria: Invitae Variant Classification Sherloc (09022015). Collection method: clinical testing. Allele origin: germline.
Comment: This sequence change replaces isoleucine, which is neutral and non-polar, with leucine, which is neutral and non-polar, at codon 883 of the WRN protein (p.Ile883Leu). This variant is present in population databases (rs769510537, gnomAD 0.006%). This variant has not been reported in the literature in individuals affected with WRN-related conditions. ClinVar contains an entry for this variant (Variation ID: 654326). An algorithm developed to predict the effect of missense changes on protein structure and function (PolyPhen-2) suggests that this variant is likely to be disruptive. In summary, the available evidence is currently insufficient to determine the role of this variant in disease. Therefore, it has been classified as a Variant of Uncertain Significance.

NM_000553.6(WRN):c.2647A>T (p.Ile883Leu)

Gene: WRN (WRN RecQ like helicase; plus strand). Cytogenetic location: 8p12.
Variant type: single nucleotide variant.
Coding change: c.2647A>T on transcript NM_000553.6 (MANE Select); coding-DNA position 2647, A replaced by T.
Protein change: p.Ile883Leu; replaces isoleucine 883 with leucine.
Molecular consequence: missense variant.
Genome position (GRCh38, 1-based): chr8:31,124,538, A>T. VCF-style: chr8-31124538-A-T. GRCh37 (hg19) VCF-style: chr8-30982054-A-T.
Other names: short protein forms I883L.
Identifiers: ClinVar variation 654326 (VCV000654326.6), dbSNP rs769510537, ClinGen allele CA4704808.
Genomic context (GRCh38, chr8:31,124,538, plus strand): 5'-GCCAATACAGTTTTACATATTCCTGTGATGTTTTTAATCGACAGGCACCTTCTTACTGAG[A>T]TACGTAATGAGAAGTTTCGATTATACAAATTAAAGATGATGGCAAAGATGGAAAAATATC-3'
Protein context (NP_000544.2, residues 873-893): INLNRHLLTE[Ile883Leu]RNEKFRLYKL